The following is an entry in ClinVar:

NC_000017.10:g.(?_58230965)_(58235066_?)del

Gene: CA4 (carbonic anhydrase 4; plus strand). Cytogenetic location: 17q23.1.
Variant type: Deletion.
Identifiers: ClinVar variation 1444632 (VCV001444632.5).

ClinVar aggregate classification (germline): Pathogenic (1 of 4 stars; one submission).

Submission:

Labcorp Genetics (formerly Invitae), Labcorp
Classification: Pathogenic. Last evaluated: 2022-09-19. Review status: criteria provided, single submitter. Criteria: Invitae Variant Classification Sherloc (09022015). Collection method: clinical testing. Allele origin: germline.
Comment: For these reasons, this variant has been classified as Pathogenic. This variant disrupts a region of the CA4 protein in which other variant(s) (p.Arg69His) have been determined to be pathogenic (PMID: 17652713, 19211803, 20450258). This suggests that this is a clinically significant region of the protein, and that variants that disrupt it are likely to be disease-causing. This variant has not been reported in the literature in individuals affected with CA4-related conditions. This variant results in the deletion of exon(s) 2-4 and part of exon 5 (c.59-1710_430delinsTGCAAGATCCA) of the CA4 gene. It is expected to disrupt RNA splicing. Variants that disrupt the donor or acceptor splice site typically lead to a loss of protein function (PMID: 16199547), and loss-of-function variants in CA4 are known to be pathogenic (PMID: 33090715).

Literature cited by the submitters: PubMed 17652713; PubMed 19211803; PubMed 20450258; PubMed 16199547; PubMed 33090715.